The following is an entry in ClinVar:

ClinVar aggregate classification (germline): Conflicting classifications of pathogenicity. Review status: criteria provided, conflicting classifications (1 of 4 stars). 5 submissions from 5 submitters: Uncertain significance (3); Benign (1); Likely benign (1). Last evaluated 2025-08-13.

Conditions:
Inborn genetic diseases. Identifiers: MedGen C0950123, MeSH D030342.
Multicentric carpo-tarsal osteolysis with or without nephropathy. Also called: MULTICENTRIC CARPOTARSAL OSTEOLYSIS SYNDROME; OSTEOLYSIS, HEREDITARY, OF CARPAL BONES WITH OR WITHOUT NEPHROPATHY; Carnevale Canun Mendoza syndrome; Multicentric Carpotarsal Osteolysis with or without Nephropathy; Multicentric Osteolysis of Carpal Bones and Nephropathy; MULTICENTRIC OSTEOLYSIS, AUTOSOMAL DOMINANT. Identifiers: Orphanet 2774, MedGen C2674705, MONDO:0008152, OMIM 166300.
Duane retraction syndrome 3 with or without deafness (DURS3). Also called: DUANE RETRACTION SYNDROME 3; Duane syndrome type 3. Identifiers: Orphanet 233, MedGen C4310752, MONDO:0014880, OMIM 617041.
MAFB-related disorder. Also called: MAFB-related condition.

Allele frequency attached by ClinVar (database versions not stated): ExAC 0.00001; gnomAD exomes 0.00001 and 0.00003; TOPMed 0.00002; gnomAD 0.00003 and 0.00004.

Submissions (5):

Labcorp Genetics (formerly Invitae), Labcorp
Classification: Benign. Last evaluated: 2025-08-13. Review status: criteria provided, single submitter. Criteria: Invitae Variant Classification Sherloc (09022015). Collection method: clinical testing. Allele origin: germline.

Ambry Genetics
Classification: Likely benign for Inborn genetic diseases. Last evaluated: 2025-03-27. Review status: criteria provided, single submitter. Criteria: Ambry Variant Classification Scheme 2023. Collection method: clinical testing. Allele origin: germline.

PreventionGenetics, part of Exact Sciences
Classification: Uncertain significance for MAFB-related condition. Last evaluated: 2024-12-16. Review status: criteria provided, single submitter. Criteria: ACMG Guidelines, 2015. Collection method: clinical testing. Allele origin: germline.
Comment: The MAFB c.393C>A variant is predicted to result in the amino acid substitution p.His131Gln. This variant has been reported in a genome-wide association study of cleft lip with and without cleft palate at higher frequencies in cases compared to controls (Beaty TH et al. 2010. PubMed ID: 20436469). This variant is reported in 0.056% of alleles in individuals of East Asian descent in gnomAD, which may be too common to be a primary cause of disease. Although we suspect that this variant may be benign, at this time, the clinical significance of this variant is uncertain due to the absence of conclusive functional and genetic evidence.

Fulgent Genetics
Classification: Uncertain significance for Multicentric carpo-tarsal osteolysis with or without nephropathy; Duane retraction syndrome 3 with or without deafness. Last evaluated: 2021-07-13. Review status: criteria provided, single submitter. Criteria: ACMG Guidelines, 2015. Collection method: clinical testing. Allele origin: unknown.

Illumina Laboratory Services, Illumina
Classification: Uncertain significance for Multicentric carpo-tarsal osteolysis with or without nephropathy. Last evaluated: 2017-04-28. Review status: criteria provided, single submitter. Criteria: ICSL Variant Classification Criteria 13 December 2019. Collection method: clinical testing. Allele origin: germline.
Comment: This variant was observed as part of a predisposition screen in an ostensibly healthy population. A literature search was performed for the gene, cDNA change, and amino acid change (where applicable). Publications were found based on this search. However, the evidence from the literature, in combination with allele frequency data from public databases where available, was not sufficient to rule this variant in or out of causing disease. Therefore, this variant is classified as a variant of unknown significance.

Literature cited by the submitters: PubMed 20436469 (cited by Illumina Laboratory Services, Illumina); PubMed 24989131 (cited by Illumina Laboratory Services, Illumina).

NM_005461.5(MAFB):c.393C>A (p.His131Gln)

Gene: MAFB (MAF bZIP transcription factor B; minus strand). Cytogenetic location: 20q12.
Variant type: single nucleotide variant.
Coding change: c.393C>A on transcript NM_005461.5 (MANE Select); coding-DNA position 393, C replaced by A.
Protein change: p.His131Gln; replaces histidine 131 with glutamine.
Molecular consequence: missense variant.
Genome position (GRCh38, 1-based): chr20:40,688,458, G>T on the plus strand (C>A on the coding strand, the complement: MAFB is on the minus strand). VCF-style: chr20-40688458-G-T. GRCh37 (hg19) VCF-style: chr20-39317098-G-T.
Other names: c.393C>A (NM_005461.3); short protein forms H131Q.
Identifiers: ClinVar variation 895057 (VCV000895057.15), dbSNP rs121912307, ClinGen allele CA9857801.